The following is an entry in ClinVar:

ClinVar aggregate classification (germline): Uncertain significance. Review status: criteria provided, multiple submitters, no conflicts (2 of 4 stars). 2 submissions from 2 submitters: Uncertain significance (2). Last evaluated 2025-02-22.

Conditions:
Inborn genetic diseases. Identifiers: MedGen C0950123, MeSH D030342.

Allele frequency attached by ClinVar (database versions not stated): gnomAD exomes below 0.00001; ExAC 0.00001; gnomAD 0.00001; TOPMed 0.00001.
gnomAD v4.1: 8 of 1,612,940 alleles (0.0005%); highest among the groups gnomAD compares: Non-Finnish European, 0.00068%; no homozygotes.

Submissions (2):

Ambry Genetics
Classification: Uncertain significance for Inborn genetic diseases. Last evaluated: 2025-02-22. Review status: criteria provided, single submitter. Criteria: Ambry Variant Classification Scheme 2023. Collection method: clinical testing. Allele origin: germline.

Labcorp Genetics (formerly Invitae), Labcorp
Classification: Uncertain significance. Last evaluated: 2021-10-03. Review status: criteria provided, single submitter. Criteria: Invitae Variant Classification Sherloc (09022015). Collection method: clinical testing. Allele origin: germline.
Comment: This sequence change replaces arginine with serine at codon 1093 of the ADAMTS10 protein (p.Arg1093Ser). The arginine residue is highly conserved and there is a moderate physicochemical difference between arginine and serine. This variant is present in population databases (rs782412095, ExAC 0.002%). This variant has not been reported in the literature in individuals affected with ADAMTS10-related conditions. Algorithms developed to predict the effect of missense changes on protein structure and function are either unavailable or do not agree on the potential impact of this missense change (SIFT: "Deleterious"; PolyPhen-2: "Probably Damaging"; Align-GVGD: "Class C0"). In summary, the available evidence is currently insufficient to determine the role of this variant in disease. Therefore, it has been classified as a Variant of Uncertain Significance.

NM_030957.4(ADAMTS10):c.3277C>A (p.Arg1093Ser)

Gene: ADAMTS10 (ADAM metallopeptidase with thrombospondin type 1 motif 10; minus strand). Cytogenetic location: 19p13.2.
Variant type: single nucleotide variant.
Coding change: c.3277C>A on transcript NM_030957.4 (MANE Select); coding-DNA position 3277, C replaced by A.
Protein change: p.Arg1093Ser; replaces arginine 1093 with serine.
Molecular consequence: missense variant.
Genome position (GRCh38, 1-based): chr19:8,580,928, G>T on the plus strand (C>A on the coding strand, the complement: ADAMTS10 is on the minus strand). VCF-style: chr19-8580928-G-T. GRCh37 (hg19) VCF-style: chr19-8645812-G-T.
Other names: c.1738C>A, p.Arg580Ser (NM_001282352.2); c.3277C>A (NM_030957.2); short protein forms R580S, R1093S.
Identifiers: ClinVar variation 1392003 (VCV001392003.4), dbSNP rs782412095, ClinGen allele CA9159948.